The following is an entry in ClinVar:

NM_001009944.3(PKD1):c.11773G>T (p.Glu3925Ter)

Gene: PKD1 (polycystin 1, transient receptor potential channel interacting; minus strand). Cytogenetic location: 16p13.3.
Variant type: single nucleotide variant.
Coding change: c.11773G>T on transcript NM_001009944.3 (MANE Select); coding-DNA position 11773, G replaced by T.
Protein change: p.Glu3925Ter; replaces glutamic acid 3925 with a stop codon.
Molecular consequence: nonsense.
Genome position (GRCh38, 1-based): chr16:2,091,114, C>A on the plus strand (G>T on the coding strand, the complement: PKD1 is on the minus strand). VCF-style: chr16-2091114-C-A. GRCh37 (hg19) VCF-style: chr16-2141115-C-A.
Other names: c.11770G>T, p.Glu3924Ter (NM_000296.4); short protein forms E3924*, E3925*.
Identifiers: ClinVar variation 2634604 (VCV002634604.4), dbSNP rs1425693814, ClinGen allele CA394330014.

ClinVar aggregate classification (germline): Pathogenic/Likely pathogenic. Review status: criteria provided, multiple submitters, no conflicts (2 of 4 stars). 4 submissions from 4 submitters: Pathogenic (2); Likely pathogenic (2). Last evaluated 2025-06-19.

Conditions:
Polycystic kidney disease, adult type (PKD1). Also called: Polycystic Kidney Disease 1, Autosomal Dominant; Polycystic kidney disease 1; Polycystic kidney disease 1, severe; POLYCYSTIC KIDNEY DISEASE, ADULT, TYPE I; Polycystic Kidney, Autosomal Dominant; POLYCYSTIC KIDNEY DISEASE 1 WITH OR WITHOUT POLYCYSTIC LIVER DISEASE. Identifiers: MedGen C3149841, MONDO:0008263, OMIM 173900.
PKD1-related disorder. Also called: PKD1-related condition.

Submissions (4):

Variantyx, Inc.
Classification: Likely pathogenic for Polycystic kidney disease, adult type. Last evaluated: 2025-06-19. Review status: criteria provided, single submitter. Criteria: Variantyx Assertion Criteria 2022. Collection method: clinical testing. Allele origin: germline. Inheritance: Autosomal dominant inheritance. Affected: yes.
Comment: This is a nonsense variant in the PKD1 gene (OMIM: 601313). Pathogenic variants in this gene have been associated with autosomal dominant polycystic kidney disease 1. This variant introduces a premature termination codon in exon 43 out of 46 and is expected to result in loss of function, which is a known disease mechanism for PKD1 in this disorder (PVS1) (PMID:7633405;9005987). This variant is absent from control populations (PM2). Based on the current evidence, this variant is classified as likely pathogenic for autosomal dominant polycystic kidney disease 1.

Blueprint Genetics
Classification: Likely pathogenic for PKD1-related disorders. Last evaluated: 2023-09-15. Review status: criteria provided, single submitter. Criteria: ACMG Guidelines, 2015. Collection method: clinical testing. Allele origin: germline. Affected: yes. Observed: 1 variant allele.

Victorian Clinical Genetics Services, Murdoch Childrens Research Institute
Classification: Pathogenic for Polycystic kidney disease, adult type. Last evaluated: 2023-07-17. Review status: criteria provided, single submitter. Criteria: ACMG Guidelines, 2015. Collection method: clinical testing. Allele origin: germline. Inheritance: Autosomal dominant inheritance. Affected: yes.
Comment: Based on the classification scheme VCGS_Germline_v1.3.4, this variant is classified as Pathogenic. Following criteria are met: 0102 - Loss of function is a known mechanism of disease in this gene and is associated with polycystic kidney disease 1 (MIM#173900). (I) 0107 - This gene is associated with autosomal dominant disease. Polycystic kidney disease 1 (MIM#173900) is predominantly caused by monoallelic variants, with rare reports of biallelic variants causing disease (OMIM). (I) 0201 - Variant is predicted to cause nonsense-mediated decay (NMD) and loss of protein (premature termination codon is located at least 54 nucleotides upstream of the final exon-exon junction). (SP) 0251 - This variant is heterozygous. (I) 0301 - Variant is absent from gnomAD (both v2 and v3). (SP) 0701 - Other NMD predicted variants comparable to the one identified in this case have very strong previous evidence for pathogenicity (DECIPHER). (SP) 0803 - This variant has limited previous evidence of pathogenicity in an unrelated individual. This variant has been classified as pathogenic in LOVD. (SP) 0905 - No published segregation evidence has been identified for this variant. (I) 1007 - No published functional evidence has been identified for this variant. (I) 1208 - Inheritance information for this variant is not currently available in this individual. (I) Legend: (SP) - Supporting pathogenic, (I) - Information, (SB) - Supporting benign

PreventionGenetics, part of Exact Sciences
Classification: Pathogenic for PKD1-related condition. Last evaluated: 2023-01-30. Review status: criteria provided, single submitter. Criteria: ACMG Guidelines, 2015. Collection method: clinical testing. Allele origin: germline.
Comment: The PKD1 c.11773G>T variant is predicted to result in premature protein termination (p.Glu3925*). To our knowledge, this variant has not been reported in the literature or in a large population database, indicating this variant is rare. Nonsense variants in PKD1 are expected to be pathogenic. This variant is interpreted as pathogenic.

Literature cited by the submitters: PubMed 7633405 (cited by Variantyx, Inc.); PubMed 9005987 (cited by Variantyx, Inc.).